The following is an entry in ClinVar:

NM_017739.4(POMGNT1):c.1192A>G (p.Ile398Val)

Genes: POMGNT1 (protein O-linked mannose N-acetylglucosaminyltransferase 1 (beta 1,2-); minus strand), TSPAN1 (tetraspanin 1; plus strand). Cytogenetic location: 1p34.1.
Variant type: single nucleotide variant.
Coding change: c.1192A>G on transcript NM_017739.4 (MANE Select); coding-DNA position 1192, A replaced by G.
Protein change: p.Ile398Val; replaces isoleucine 398 with valine.
Molecular consequence: missense variant.
Genome position (GRCh38, 1-based): chr1:46,192,919, T>C on the plus strand (A>G on the coding strand, the complement: POMGNT1 is on the minus strand). VCF-style: chr1-46192919-T-C. GRCh37 (hg19) VCF-style: chr1-46658591-T-C.
Other names: c.1192A>G, p.Ile398Val (NM_001243766.2, NM_001410783.1); c.1126A>G, p.Ile376Val (NM_001290129.3); c.763A>G, p.Ile255Val (NM_001290130.2); short protein forms I398V, I255V, I376V.
Identifiers: ClinVar variation 1434285 (VCV001434285.7), dbSNP rs1460430901, ClinGen allele CA340178965.
Genomic context (GRCh38, chr1:46,192,919, plus strand): 5'-AGACTGAGGGACCTCAACTGAAACCTAGAGACTCCCCTCACCTGAAAAAATCCACAGCAA[T>C]GTCCAGGTCCTCTTCCAGAACCACAGCAAACTTGGCCTCCTAGAAGGGGAATGGGACATC-3'
Protein context (NP_060209.4, residues 388-408): FAVVLEEDLD[Ile398Val]AVDFFSFLSQ

ClinVar aggregate classification (germline): Uncertain significance. Review status: criteria provided, multiple submitters, no conflicts (2 of 4 stars). 2 submissions from 2 submitters: Uncertain significance (2). Last evaluated 2024-08-16.

Conditions:
Autosomal recessive limb-girdle muscular dystrophy type 2O. Also called: Limb-Girdle Muscular Dystrophy Type 3C; MUSCULAR DYSTROPHY-DYSTROGLYCANOPATHY (LIMB-GIRDLE), TYPE C, 3; MUSCULAR DYSTROPHY-DYSTROGLYCANOPATHY, LIMB-GIRDLE, POMGNT1-RELATED. Identifiers: Orphanet 206564, MedGen C3150417, MONDO:0013161, OMIM 613157.
Muscular dystrophy-dystroglycanopathy (congenital with impaired intellectual development), type B, 3. Also called: MUSCULAR DYSTROPHY, CONGENITAL, POMGNT1-RELATED; Muscular dystrophy-dystroglycanopathy (congenital with intellectual disability), type B3. Identifiers: MedGen C3150412, MONDO:0013155, OMIM 613151.

Allele frequency attached by ClinVar (database versions not stated): gnomAD exomes below 0.00001 and 0.00001; TOPMed below 0.00001; gnomAD 0.00001.
gnomAD v4.1: 6 of 1,613,990 alleles (0.00037%); highest among the groups gnomAD compares: Non-Finnish European, 0.00051%; no homozygotes.

Submissions (2):

Blueprint Genetics
Classification: Uncertain significance. Last evaluated: 2024-08-16. Review status: criteria provided, single submitter. Criteria: ACMG Guidelines, 2015. Collection method: clinical testing. Allele origin: germline.

Labcorp Genetics (formerly Invitae), Labcorp
Classification: Uncertain significance for Autosomal recessive limb-girdle muscular dystrophy type 2O; Muscular dystrophy-dystroglycanopathy (congenital with impaired intellectual development), type B, 3. Last evaluated: 2022-07-05. Review status: criteria provided, single submitter. Criteria: Invitae Variant Classification Sherloc (09022015). Collection method: clinical testing. Allele origin: germline.
Comment: This sequence change replaces isoleucine, which is neutral and non-polar, with valine, which is neutral and non-polar, at codon 398 of the POMGNT1 protein (p.Ile398Val). This variant is present in population databases (no rsID available, gnomAD 0.0009%). This variant has not been reported in the literature in individuals affected with POMGNT1-related conditions. ClinVar contains an entry for this variant (Variation ID: 1434285). Advanced modeling of protein sequence and biophysical properties (such as structural, functional, and spatial information, amino acid conservation, physicochemical variation, residue mobility, and thermodynamic stability) performed at Invitae indicates that this missense variant is not expected to disrupt POMGNT1 protein function. In summary, the available evidence is currently insufficient to determine the role of this variant in disease. Therefore, it has been classified as a Variant of Uncertain Significance.